The following is an entry in ClinVar:

ClinVar aggregate classification (germline): Uncertain significance (1 of 4 stars; one submission).

Allele frequency attached by ClinVar (database versions not stated): gnomAD 0.00003; gnomAD exomes 0.00003; TOPMed 0.00003; ExAC 0.00004; ESP Exome Variant Server 0.00008.
gnomAD v4.1: 33 of 1,605,468 alleles (0.0021%); highest among the groups gnomAD compares: African/African-American, 0.0094%; no homozygotes.

Submission:

Labcorp Genetics (formerly Invitae), Labcorp
Classification: Uncertain significance. Last evaluated: 2022-05-09. Review status: criteria provided, single submitter. Criteria: Invitae Variant Classification Sherloc (09022015). Collection method: clinical testing. Allele origin: germline.
Comment: This sequence change replaces arginine, which is basic and polar, with glutamine, which is neutral and polar, at codon 740 of the FCHO1 protein (p.Arg740Gln). This variant is present in population databases (rs374251080, gnomAD 0.005%). This variant has not been reported in the literature in individuals affected with FCHO1-related conditions. Algorithms developed to predict the effect of missense changes on protein structure and function are either unavailable or do not agree on the potential impact of this missense change (SIFT: "Deleterious"; PolyPhen-2: "Probably Damaging"; Align-GVGD: "Class C0"). In summary, the available evidence is currently insufficient to determine the role of this variant in disease. Therefore, it has been classified as a Variant of Uncertain Significance.

NM_015122.3(FCHO1):c.2219G>A (p.Arg740Gln)

Gene: FCHO1 (FCH and mu domain containing endocytic adaptor 1; plus strand). Cytogenetic location: 19p13.11.
Variant type: single nucleotide variant.
Coding change: c.2219G>A on transcript NM_015122.3 (MANE Select); coding-DNA position 2219, G replaced by A.
Protein change: p.Arg740Gln; replaces arginine 740 with glutamine.
Molecular consequence: missense variant. On other transcripts: non-coding transcript variant (35), intron variant (2).
Genome position (GRCh38, 1-based): chr19:17,784,228, G>A. VCF-style: chr19-17784228-G-A. GRCh37 (hg19) VCF-style: chr19-17895037-G-A.
Other names: c.2219G>A, p.Arg740Gln (NM_001161357.2, NM_001161358.2, NM_001384370.1 and 13 more transcripts); c.2069G>A, p.Arg690Gln (NM_001161359.2, NM_001384384.1, NM_001384385.1 and 1 more transcripts); c.2180G>A, p.Arg727Gln (NM_001384388.1, NM_001384389.1); c.2144G>A, p.Arg715Gln (NM_001384390.1); c.2102G>A, p.Arg701Gln (NM_001384392.1, NM_001384393.1, NM_001384394.1 and 1 more transcripts); c.1943G>A, p.Arg648Gln (NM_001384396.1, NM_001384397.1, NM_001384398.1 and 5 more transcripts); c.1898G>A, p.Arg633Gln (NM_001384403.1); c.1793G>A, p.Arg598Gln (NM_001384406.1); and 2 more; short protein forms R598Q, R715Q, R648Q, R690Q, R633Q, R727Q, R740Q, R701Q.
Identifiers: ClinVar variation 1498683 (VCV001498683.5), dbSNP rs374251080, ClinGen allele CA9300788.